The following is an entry in ClinVar:

NM_005188.4(CBL):c.1771C>G (p.Leu591Val)

Gene: CBL (Cbl proto-oncogene; plus strand). Cytogenetic location: 11q23.3.
Variant type: single nucleotide variant.
Coding change: c.1771C>G on transcript NM_005188.4 (MANE Select); coding-DNA position 1771, C replaced by G.
Protein change: p.Leu591Val; replaces leucine 591 with valine.
Molecular consequence: missense variant.
Genome position (GRCh38, 1-based): chr11:119,285,396, C>G. VCF-style: chr11-119285396-C-G. GRCh37 (hg19) VCF-style: chr11-119156106-C-G.
Other names: short protein forms L591V.
Identifiers: ClinVar variation 405369 (VCV000405369.10), dbSNP rs1060500679, ClinGen allele CA16613259.

ClinVar aggregate classification (germline): Uncertain significance. Review status: criteria provided, multiple submitters, no conflicts (2 of 4 stars). 2 submissions from 2 submitters: Uncertain significance (2). Last evaluated 2025-05-30.

Conditions:
RASopathy. Also called: Noonan spectrum disorder; rasopathies. Identifiers: Orphanet 536391, MedGen C5555857, MONDO:0021060.

Submissions (2):

Labcorp Genetics (formerly Invitae), Labcorp
Classification: Uncertain significance for RASopathy. Last evaluated: 2025-05-30. Review status: criteria provided, single submitter. Criteria: Invitae Variant Classification Sherloc (09022015). Collection method: clinical testing. Allele origin: germline.
Comment: This sequence change replaces leucine, which is neutral and non-polar, with valine, which is neutral and non-polar, at codon 591 of the CBL protein (p.Leu591Val). This variant is not present in population databases (gnomAD no frequency). This variant has not been reported in the literature in individuals affected with CBL-related conditions. ClinVar contains an entry for this variant (Variation ID: 405369). Invitae Evidence Modeling of protein sequence and biophysical properties (such as structural, functional, and spatial information, amino acid conservation, physicochemical variation, residue mobility, and thermodynamic stability) indicates that this missense variant is not expected to disrupt CBL protein function with a negative predictive value of 95%. In summary, the available evidence is currently insufficient to determine the role of this variant in disease. Therefore, it has been classified as a Variant of Uncertain Significance.

Stanford Center for Inherited Cardiovascular Disease, Stanford University
Classification: Uncertain significance. Last evaluated: 2016-08-31. Review status: criteria provided, single submitter. Criteria: ACMG Guidelines, 2015. Collection method: provider interpretation. Allele origin: germline.